The following is an entry in ClinVar:

ClinVar aggregate classification (germline): Uncertain significance. Review status: criteria provided, multiple submitters, no conflicts (2 of 4 stars). 3 submissions from 3 submitters: Uncertain significance (3). Last evaluated 2024-07-24.

Conditions:
Autosomal recessive limb-girdle muscular dystrophy type 2A (LGMDR1). Also called: Calpainopathy; MUSCULAR DYSTROPHY, PELVOFEMORAL; Limb-girdle muscular dystrophy, type 2A; Muscular dystrophy, limb-girdle, type 2A, Amish; LEYDEN-MOEBIUS MUSCULAR DYSTROPHY. Identifiers: Orphanet 267, MedGen C1869123, MONDO:0009675, OMIM 253600. Disease mechanism: loss of function.

Submissions (3):

Labcorp Genetics (formerly Invitae), Labcorp
Classification: Uncertain significance for Autosomal recessive limb-girdle muscular dystrophy type 2A. Last evaluated: 2024-07-24. Review status: criteria provided, single submitter. Criteria: Invitae Variant Classification Sherloc (09022015). Collection method: clinical testing. Allele origin: germline.
Comment: This sequence change replaces tyrosine, which is neutral and polar, with cysteine, which is neutral and slightly polar, at codon 159 of the CAPN3 protein (p.Tyr159Cys). This variant is not present in population databases (gnomAD no frequency). This variant has not been reported in the literature in individuals affected with CAPN3-related conditions. ClinVar contains an entry for this variant (Variation ID: 285140). Advanced modeling of protein sequence and biophysical properties (such as structural, functional, and spatial information, amino acid conservation, physicochemical variation, residue mobility, and thermodynamic stability) performed at Invitae indicates that this missense variant is expected to disrupt CAPN3 protein function with a positive predictive value of 80%. In summary, the available evidence is currently insufficient to determine the role of this variant in disease. Therefore, it has been classified as a Variant of Uncertain Significance.

Revvity Omics, Revvity
Classification: Uncertain significance. Last evaluated: 2023-08-11. Review status: criteria provided, single submitter. Criteria: ACMG Guidelines, 2015. Collection method: clinical testing. Allele origin: germline.

Eurofins Ntd Llc (ga)
Classification: Uncertain significance. Last evaluated: 2015-12-08. Review status: criteria provided, single submitter. Criteria: EGL Classification Definitions 2015. Collection method: clinical testing. Allele origin: germline. Observed: 1 variant allele, 1 heterozygote.

NM_000070.3(CAPN3):c.476A>G (p.Tyr159Cys)

Genes: CAPN3 (calpain 3; plus strand), LOC126862115 (BRD4-independent group 4 enhancer GRCh37_chr15:42677734-42678933; plus strand). Cytogenetic location: 15q15.1.
Variant type: single nucleotide variant.
Coding change: c.476A>G on transcript NM_000070.3 (MANE Select); coding-DNA position 476, A replaced by G.
Protein change: p.Tyr159Cys; replaces tyrosine 159 with cysteine.
Molecular consequence: missense variant.
Genome position (GRCh38, 1-based): chr15:42,386,263, A>G. VCF-style: chr15-42386263-A-G. GRCh37 (hg19) VCF-style: chr15-42678461-A-G.
Other names: c.476A>G, p.Tyr159Cys (NM_024344.2, NM_173087.2); short protein forms Y159C.
Identifiers: ClinVar variation 285140 (VCV000285140.9), dbSNP rs886043025, ClinGen allele CA10605012.